The following is an entry in ClinVar:

NM_005732.4(RAD50):c.470G>C (p.Cys157Ser)

Gene: RAD50 (RAD50 double strand break repair protein; plus strand). Cytogenetic location: 5q31.1.
Variant type: single nucleotide variant.
Coding change: c.470G>C on transcript NM_005732.4 (MANE Select); coding-DNA position 470, G replaced by C.
Protein change: p.Cys157Ser; replaces cysteine 157 with serine.
Molecular consequence: missense variant.
Genome position (GRCh38, 1-based): chr5:132,579,421, G>C. VCF-style: chr5-132579421-G-C. GRCh37 (hg19) VCF-style: chr5-131915113-G-C.
Other names: short protein forms C157S.
Identifiers: ClinVar variation 573324 (VCV000573324.9), dbSNP rs1282352183, ClinGen allele CA360934386.

ClinVar aggregate classification (germline): Uncertain significance (1 of 4 stars; one submission).

Conditions:
Hereditary cancer-predisposing syndrome. Also called: Neoplastic Syndromes, Hereditary; Hereditary Cancer Syndrome; Tumor predisposition; Hereditary neoplastic syndrome. Identifiers: Orphanet 140162, MedGen C0027672, MeSH D009386, MONDO:0015356.

Submission:

Labcorp Genetics (formerly Invitae), Labcorp
Classification: Uncertain significance for Hereditary cancer-predisposing syndrome. Last evaluated: 2018-04-19. Review status: criteria provided, single submitter. Criteria: Invitae Variant Classification Sherloc (09022015). Collection method: clinical testing. Allele origin: germline.
Comment: This sequence change replaces cysteine with serine at codon 157 of the RAD50 protein (p.Cys157Ser). The cysteine residue is highly conserved and there is a moderate physicochemical difference between cysteine and serine. This variant is not present in population databases (ExAC no frequency). This variant has not been reported in the literature in individuals with RAD50-related disease. Algorithms developed to predict the effect of missense changes on protein structure and function (SIFT, PolyPhen-2, Align-GVGD) all suggest that this variant is likely to be disruptive, but these predictions have not been confirmed by published functional studies and their clinical significance is uncertain. In summary, the available evidence is currently insufficient to determine the role of this variant in disease. Therefore, it has been classified as a Variant of Uncertain Significance.